The following is an entry in ClinVar:

NM_000540.3(RYR1):c.4908G>A (p.Met1636Ile)

Gene: RYR1 (ryanodine receptor 1; plus strand). Cytogenetic location: 19q13.2.
Variant type: single nucleotide variant.
Coding change: c.4908G>A on transcript NM_000540.3 (MANE Select); coding-DNA position 4908, G replaced by A.
Protein change: p.Met1636Ile; replaces methionine 1636 with isoleucine.
Molecular consequence: missense variant.
Genome position (GRCh38, 1-based): chr19:38,483,490, G>A. VCF-style: chr19-38483490-G-A. GRCh37 (hg19) VCF-style: chr19-38974130-G-A.
Other names: c.4908G>A, p.Met1636Ile (NM_001042723.2); short protein forms M1636I.
Identifiers: ClinVar variation 2435506 (VCV002435506.4), dbSNP rs1969121445, ClinGen allele CA405650960.

ClinVar aggregate classification (germline): Uncertain significance. Review status: criteria provided, multiple submitters, no conflicts (2 of 4 stars). 2 submissions from 2 submitters: Uncertain significance (2). Last evaluated 2023-10-27.

Conditions:
Malignant hyperthermia, susceptibility to, 1 (MHS1). Also called: Anesthesia related hyperthermia; Malignant hyperpyrexia; Fulminating hyperpyrexia; Pharmacogenic myopathy; Malignant hyperthermia suceptibility 1; RYR1-Related Malignant Hyperthermia Susceptibility. Identifiers: Orphanet 423, MedGen C2930980, MONDO:0007783, OMIM 145600.

Allele frequency attached by ClinVar (database versions not stated): gnomAD exomes 0.00001.

Submissions (2):

All of Us Research Program, National Institutes of Health
Classification: Uncertain significance for Malignant hyperthermia, susceptibility to, 1. Last evaluated: 2023-10-27. Review status: criteria provided, single submitter. Criteria: ACMG Guidelines, 2015. Collection method: clinical testing. Allele origin: germline. Inheritance: Autosomal dominant inheritance. Observed: 3 variant alleles, 3 heterozygotes.
Comment: This missense variant replaces methionine with isoleucine at codon 1636 of the RYR1 protein. Computational prediction suggests that this variant may have deleterious impact on protein structure and function (internally defined REVEL score threshold >= 0.7, PMID: 27666373). To our knowledge, functional studies have not been reported for this variant. This variant has not been reported in individuals affected with RYR1-related disorders in the literature. This variant has not been identified in the general population by the Genome Aggregation Database (gnomAD). The available evidence is insufficient to determine the role of this variant in disease conclusively. Therefore, this variant is classified as a Variant of Uncertain Significance.

This study involves interpretation of variants in research participants for the purpose of population health screening. Participant phenotype was not available at the time of variant classification. Additional details can be found in publication PMID: 35346344, PMCID: PMC8962531

Revvity Omics, Revvity
Classification: Uncertain significance. Last evaluated: 2020-12-28. Review status: criteria provided, single submitter. Criteria: ACMG Guidelines, 2015. Collection method: clinical testing. Allele origin: germline.